The following is an entry in ClinVar:

NM_000038.6(APC):c.7761_7763del (p.Glu2587del)

Gene: APC (APC regulator of Wnt signaling pathway; plus strand). Cytogenetic location: 5q22.2.
Variant type: Deletion.
Coding change: c.7761_7763del on transcript NM_000038.6 (MANE Select); coding-DNA positions 7761 to 7763, 3 bases deleted (GGA; older notation c.7761_7763delGGA).
Protein change: p.Glu2587del; deletes glutamic acid 2587.
Molecular consequence: non-coding transcript variant (on NR_176365.1).
Genome position (GRCh38, 1-based): chr5:112,843,355-112,843,357, GGA deleted; deleting any 3 consecutive bases within chr5:112,843,353-112,843,357 gives the same sequence; the c. name uses the placement nearest the transcript's 3' end. VCF-style (leftmost placement, unchanged base first): chr5-112843352-TGAG-T. GRCh37 (hg19) VCF-style: chr5-112179049-TGAG-T.
Other names: c.7761_7763del, p.Glu2587del (NM_001127510.3, NM_001354895.2, NM_001407450.1); c.7707_7709del, p.Glu2569del (NM_001127511.3); c.7815_7817del, p.Glu2605del (NM_001354896.2, NM_001407447.1, NM_001407448.1 and 1 more transcripts); c.7791_7793del, p.Glu2597del (NM_001354897.2); c.7686_7688del, p.Glu2562del (NM_001354898.2); c.7677_7679del, p.Glu2559del (NM_001354899.2); c.7638_7640del, p.Glu2546del (NM_001354900.2); c.7584_7586del, p.Glu2528del (NM_001354901.2, NM_001407453.1); and 11 more; short protein forms E2203del, E2304del, E2486del, E2546del, E2580del, E2597del, E2528del, E2569del.
Identifiers: ClinVar variation 3728083 (VCV003728083.2).
Genomic context (GRCh38, chr5:112,843,352, plus strand): 5'-AACTGGAAGTTCATCTTCAATTCTTTCTGCTTCATCAGAATCCAGTGAAAAAGCAAAAAG[TGAG>T]GATGAAAAACATGTGAACTCTATTTCAGGAACCAAACAAAGTAAAGAAAACCAAGTATCC-3'

ClinVar aggregate classification (germline): Uncertain significance (1 of 4 stars; one submission).

Conditions:
Familial adenomatous polyposis 1 (FAP1). Also called: FAMILIAL ADENOMATOUS POLYPOSIS 1, ATTENUATED; POLYPOSIS, ADENOMATOUS INTESTINAL. Identifiers: MedGen C2713442, MONDO:0021056, OMIM 175100. Disease mechanism: loss of function.

Submission:

Labcorp Genetics (formerly Invitae), Labcorp
Classification: Uncertain significance for Familial adenomatous polyposis 1. Last evaluated: 2025-01-01. Review status: criteria provided, single submitter. Criteria: Invitae Variant Classification Sherloc (09022015). Collection method: clinical testing. Allele origin: germline.
Comment: This variant, c.7761_7763del, results in the deletion of 1 amino acid(s) of the APC protein (p.Glu2587del), but otherwise preserves the integrity of the reading frame. This variant is not present in population databases (gnomAD no frequency). This variant has not been reported in the literature in individuals affected with APC-related conditions. Experimental studies and prediction algorithms are not available or were not evaluated, and the functional significance of this variant is currently unknown. In summary, the available evidence is currently insufficient to determine the role of this variant in disease. Therefore, it has been classified as a Variant of Uncertain Significance.